The following is an entry in ClinVar:

NM_014423.4(AFF4):c.2065C>T (p.Arg689Trp)

Gene: AFF4 (ALF transcription elongation factor 4; minus strand). Cytogenetic location: 5q31.1.
Variant type: single nucleotide variant.
Coding change: c.2065C>T on transcript NM_014423.4 (MANE Select); coding-DNA position 2065, C replaced by T.
Protein change: p.Arg689Trp; replaces arginine 689 with tryptophan.
Molecular consequence: missense variant.
Genome position (GRCh38, 1-based): chr5:132,896,565, G>A on the plus strand (C>T on the coding strand, the complement: AFF4 is on the minus strand). VCF-style: chr5-132896565-G-A. GRCh37 (hg19) VCF-style: chr5-132232257-G-A.
Other names: short protein forms R689W.
Identifiers: ClinVar variation 3352431 (VCV003352431.3).
Genomic context (GRCh38, chr5:132,896,565, plus strand): 5'-CAGGCTCACTGAGGGGTGAAAGAAGTTCCTTCTCTTCCATAGGAGAGAACATTCGTTGCC[G>A]AAAAAAGCTATCTTCTTCCTCCACTGAGGAGGGTTTAACAGGAGTCCTATTGCTCTCGGG-3'
Protein context (NP_055238.1, residues 679-699): SSVEEEDSFF[Arg689Trp]QRMFSPMEEK

ClinVar aggregate classification (germline): Uncertain significance. Review status: criteria provided, multiple submitters, no conflicts (2 of 4 stars). 3 submissions from 3 submitters: Uncertain significance (2). 1 of the submissions does not count toward it. Last evaluated 2025-10-14.

Conditions:
Cognitive impairment - coarse facies - heart defects - obesity - pulmonary involvement - short stature - skeletal dysplasia syndrome. Also called: AFF4-Related CHOPS Syndrome; COGNITIVE IMPAIRMENT, COARSE FACIES, HEART DEFECTS, OBESITY, PULMONARY INVOLVEMENT, SHORT STATURE, AND SKELETAL DYSPLASIA; Chops syndrome. Identifiers: Orphanet 444077, MedGen C4085597, MONDO:0014609, OMIM 616368.
AFF4-related disorder. Also called: AFF4-related condition.
Inborn genetic diseases. Identifiers: MedGen C0950123, MeSH D030342.

gnomAD v4.1: 5 of 1,613,776 alleles (0.00031%); highest among the groups gnomAD compares: African/African-American, 0.004%; no homozygotes.

Submissions (3):

Labcorp Genetics (formerly Invitae), Labcorp
Classification: Uncertain significance for Cognitive impairment - coarse facies - heart defects - obesity - pulmonary involvement - short stature - skeletal dysplasia syndrome. Last evaluated: 2025-10-14. Review status: criteria provided, single submitter. Criteria: Invitae Variant Classification Sherloc (09022015). Collection method: clinical testing. Allele origin: germline.
Comment: This sequence change replaces arginine, which is basic and polar, with tryptophan, which is neutral and slightly polar, at codon 689 of the AFF4 protein (p.Arg689Trp). This variant is present in population databases (rs370026910, gnomAD 0.0009%). This variant has not been reported in the literature in individuals affected with AFF4-related conditions. ClinVar contains an entry for this variant (Variation ID: 3352431). Invitae Evidence Modeling of protein sequence and biophysical properties (such as structural, functional, and spatial information, amino acid conservation, physicochemical variation, residue mobility, and thermodynamic stability) indicates that this missense variant is expected to disrupt AFF4 protein function with a positive predictive value of 80%. In summary, the available evidence is currently insufficient to determine the role of this variant in disease. Therefore, it has been classified as a Variant of Uncertain Significance.

Ambry Genetics
Classification: Uncertain significance for Inborn genetic diseases. Last evaluated: 2025-08-11. Review status: criteria provided, single submitter. Criteria: Ambry Variant Classification Scheme 2023. Collection method: clinical testing. Allele origin: germline.

PreventionGenetics, part of Exact Sciences
Classification: Uncertain significance for AFF4-related condition. Last evaluated: 2024-07-11. Review status: no assertion criteria provided. Collection method: clinical testing. Allele origin: germline. Not counted in ClinVar's aggregate classification.
Comment: The AFF4 c.2065C>T variant is predicted to result in the amino acid substitution p.Arg689Trp. To our knowledge, this variant has not been reported in the literature. This variant is reported in 0.0040% of alleles in individuals of African descent in gnomAD. At this time, the clinical significance of this variant is uncertain due to the absence of conclusive functional and genetic evidence.